The following is an entry in ClinVar:

ClinVar aggregate classification (germline): Benign/Likely benign. Review status: criteria provided, multiple submitters, no conflicts (2 of 4 stars). 2 submissions from 2 submitters: Benign (1); Likely benign (1). Last evaluated 2025-03-04.

Allele frequency attached by ClinVar (database versions not stated): gnomAD exomes 0.00243; ExAC 0.00497; gnomAD 0.00958 and 0.01037; ESP Exome Variant Server 0.00977; 1000 Genomes Project 30x 0.00984; 1000 Genomes Project 0.00998; TOPMed 0.01099.
gnomAD v4.1: 2,701 of 1,550,304 alleles (0.17%); highest among the groups gnomAD compares: African/African-American, 3.3%; 42 homozygotes.

Submissions (2):

Center for Genomic Medicine, Rigshospitalet, Copenhagen University Hospital
Classification: Benign. Last evaluated: 2025-03-04. Review status: criteria provided, single submitter. Criteria: ACMG Guidelines, 2015. Collection method: clinical testing. Allele origin: germline.

GeneDx
Classification: Likely benign. Last evaluated: 2018-06-20. Review status: criteria provided, single submitter. Criteria: GeneDx Variant Classification (06012015). Collection method: clinical testing. Allele origin: germline. Affected: yes.
Comment: This variant is considered likely benign or benign based on one or more of the following criteria: it is a conservative change, it occurs at a poorly conserved position in the protein, it is predicted to be benign by multiple in silico algorithms, and/or has population frequency not consistent with disease.

NM_002691.4(POLD1):c.202+41G>A

Gene: POLD1 (DNA polymerase delta 1, catalytic subunit; plus strand). Cytogenetic location: 19q13.33.
Variant type: single nucleotide variant.
Coding change: c.202+41G>A on transcript NM_002691.4 (MANE Select); 41 bases into the intron after coding-DNA position 202, G replaced by A.
Molecular consequence: intron variant.
Genome position (GRCh38, 1-based): chr19:50,399,094, G>A. VCF-style: chr19-50399094-G-A. GRCh37 (hg19) VCF-style: chr19-50902351-G-A.
Other names: c.202+41G>A (NM_001256849.1, NM_001308632.1).
Identifiers: ClinVar variation 676639 (VCV000676639.8), dbSNP rs56055109, ClinGen allele CA9595639.